The following is an entry in ClinVar:

NM_001378902.1(ROS1):c.2354A>G (p.Asn785Ser)

Gene: ROS1 (ROS proto-oncogene 1, receptor tyrosine kinase; minus strand). Cytogenetic location: 6q22.1.
Variant type: single nucleotide variant.
Coding change: c.2354A>G on transcript NM_001378902.1 (MANE Select); coding-DNA position 2354, A replaced by G.
Protein change: p.Asn785Ser; replaces asparagine 785 with serine.
Molecular consequence: missense variant.
Genome position (GRCh38, 1-based): chr6:117,383,444, T>C on the plus strand (A>G on the coding strand, the complement: ROS1 is on the minus strand). VCF-style: chr6-117383444-T-C. GRCh37 (hg19) VCF-style: chr6-117704607-T-C.
Other names: c.2354A>G, p.Asn785Ser (NM_001378891.1); c.2369A>G, p.Asn790Ser (NM_002944.3); short protein forms N790S, N785S.
Identifiers: ClinVar variation 789001 (VCV000789001.5), dbSNP rs34582164, ClinGen allele CA3975290.

ClinVar aggregate classification (germline): Benign. Review status: criteria provided, multiple submitters, no conflicts (2 of 4 stars). 2 submissions from 2 submitters: Benign (2). Last evaluated 2026-08-01.

Allele frequency attached by ClinVar (database versions not stated): gnomAD exomes 0.00080 and 0.00235; ExAC 0.00277; gnomAD 0.00871 and 0.00933; ESP Exome Variant Server 0.00961; TOPMed 0.01013; 1000 Genomes Project 0.01158; 1000 Genomes Project 30x 0.01234.
gnomAD v4.1: 2,536 of 1,614,108 alleles (0.16%); highest among the groups gnomAD compares: African/African-American, 2.9%; 36 homozygotes.

Submissions (2):

CeGaT Center for Human Genetics Tuebingen
Classification: Benign. Last evaluated: 2026-08-01. Review status: criteria provided, single submitter. Criteria: CeGaT Center For Human Genetics Tuebingen Variant Classification Criteria Version 2. Collection method: clinical testing. Allele origin: germline. Affected: yes. Observed: 1 variant allele.
Comment: ROS1: PP3, BS1, BS2

Labcorp Genetics (formerly Invitae), Labcorp
Classification: Benign. Last evaluated: 2019-12-31. Review status: criteria provided, single submitter. Criteria: Invitae Variant Classification Sherloc (09022015). Collection method: clinical testing. Allele origin: germline.